The following is an entry in ClinVar:

ClinVar aggregate classification (germline): Uncertain significance (1 of 4 stars; one submission).

Submission:

CeGaT Center for Human Genetics Tuebingen
Classification: Uncertain significance. Last evaluated: 2024-06-01. Review status: criteria provided, single submitter. Criteria: CeGaT Center For Human Genetics Tuebingen Variant Classification Criteria Version 2. Collection method: clinical testing. Allele origin: germline. Affected: yes. Observed: 1 variant allele.
Comment: PIEZO2: PM2, BP4

NM_001378183.1(PIEZO2):c.1454A>T (p.Lys485Ile)

Gene: PIEZO2 (piezo type mechanosensitive ion channel component 2; minus strand). Cytogenetic location: 18p11.22.
Variant type: single nucleotide variant.
Coding change: c.1454A>T on transcript NM_001378183.1 (MANE Select); coding-DNA position 1454, A replaced by T.
Protein change: p.Lys485Ile; replaces lysine 485 with isoleucine.
Molecular consequence: missense variant.
Genome position (GRCh38, 1-based): chr18:10,797,447, T>A on the plus strand (A>T on the coding strand, the complement: PIEZO2 is on the minus strand). VCF-style: chr18-10797447-T-A. GRCh37 (hg19) VCF-style: chr18-10797445-T-A.
Other names: c.1454A>T, p.Lys485Ile (NM_001410871.1, NM_022068.4); short protein forms K485I.
Identifiers: ClinVar variation 3251022 (VCV003251022.18), dbSNP rs2510766988.